The following is an entry in ClinVar:

ClinVar aggregate classification (germline): Uncertain significance (1 of 4 stars; one submission).

Submission:

Labcorp Genetics (formerly Invitae), Labcorp
Classification: Uncertain significance. Last evaluated: 2021-04-23. Review status: criteria provided, single submitter. Criteria: Invitae Variant Classification Sherloc (09022015). Collection method: clinical testing. Allele origin: germline.
Comment: Algorithms developed to predict the effect of missense changes on protein structure and function are either unavailable or do not agree on the potential impact of this missense change (SIFT: "Tolerated"; PolyPhen-2: "Probably Damaging"; Align-GVGD: "Class C0"). In summary, the available evidence is currently insufficient to determine the role of this variant in disease. Therefore, it has been classified as a Variant of Uncertain Significance. This variant has not been reported in the literature in individuals with SLC26A3-related conditions. This variant is not present in population databases (ExAC no frequency). This sequence change replaces proline with serine at codon 102 of the SLC26A3 protein (p.Pro102Ser). The proline residue is moderately conserved and there is a moderate physicochemical difference between proline and serine.

NM_000111.3(SLC26A3):c.304C>T (p.Pro102Ser)

Gene: SLC26A3 (solute carrier family 26 member 3; minus strand). Cytogenetic location: 7q22.3.
Variant type: single nucleotide variant.
Coding change: c.304C>T on transcript NM_000111.3 (MANE Select); coding-DNA position 304, C replaced by T.
Protein change: p.Pro102Ser; replaces proline 102 with serine.
Molecular consequence: missense variant.
Genome position (GRCh38, 1-based): chr7:107,791,908, G>A on the plus strand (C>T on the coding strand, the complement: SLC26A3 is on the minus strand). VCF-style: chr7-107791908-G-A. GRCh37 (hg19) VCF-style: chr7-107432353-G-A.
Other names: short protein forms P102S.
Identifiers: ClinVar variation 1389728 (VCV001389728.8), dbSNP rs2115877670, ClinGen allele CA368853974.